The following is an entry in ClinVar:

ClinVar aggregate classification (germline): Uncertain significance. Review status: criteria provided, multiple submitters, no conflicts (2 of 4 stars). 2 submissions from 2 submitters: Uncertain significance (2). Last evaluated 2025-09-10.

Conditions:
Autosomal dominant nonsyndromic hearing loss 1. Also called: KONIGSMARK SYNDROME; DEAFNESS, AUTOSOMAL DOMINANT 1, WITH OR WITHOUT THROMBOCYTOPENIA. Identifiers: Orphanet 90635, MedGen C1852282, MONDO:0007424, OMIM 124900.
Progressive microcephaly-seizures-cortical blindness-developmental delay syndrome. Also called: Seizures, cortical blindness, and microcephaly syndrome. Identifiers: Orphanet 477814, MedGen C5567650, MONDO:0014714, OMIM 616632.
Inborn genetic diseases. Identifiers: MedGen C0950123, MeSH D030342.

Allele frequency attached by ClinVar (database versions not stated): gnomAD exomes below 0.00001; gnomAD 0.00001; TOPMed 0.00002.
gnomAD v4.1: 2 of 1,614,046 alleles (0.00012%); highest among the groups gnomAD compares: African/African-American, 0.0027%; no homozygotes.

Submissions (2):

Ambry Genetics
Classification: Uncertain significance for Inborn genetic diseases. Last evaluated: 2025-09-10. Review status: criteria provided, single submitter. Criteria: Ambry Variant Classification Scheme 2023. Collection method: clinical testing. Allele origin: germline.

Labcorp Genetics (formerly Invitae), Labcorp
Classification: Uncertain significance for Progressive microcephaly-seizures-cortical blindness-developmental delay syndrome; Autosomal dominant nonsyndromic hearing loss 1. Last evaluated: 2025-08-22. Review status: criteria provided, single submitter. Criteria: Invitae Variant Classification Sherloc (09022015). Collection method: clinical testing. Allele origin: germline.
Comment: This sequence change replaces asparagine, which is neutral and polar, with serine, which is neutral and polar, at codon 1222 of the DIAPH1 protein (p.Asn1222Ser). This variant is not present in population databases (gnomAD no frequency). This variant has not been reported in the literature in individuals affected with DIAPH1-related conditions. ClinVar contains an entry for this variant (Variation ID: 1045751). An algorithm developed to predict the effect of missense changes on protein structure and function (PolyPhen-2) suggests that this variant is likely to be tolerated. In summary, the available evidence is currently insufficient to determine the role of this variant in disease. Therefore, it has been classified as a Variant of Uncertain Significance.

NM_005219.5(DIAPH1):c.3665A>G (p.Asn1222Ser)

Gene: DIAPH1 (diaphanous related formin 1; minus strand). Cytogenetic location: 5q31.3.
Variant type: single nucleotide variant.
Coding change: c.3665A>G on transcript NM_005219.5 (MANE Select); coding-DNA position 3665, A replaced by G.
Protein change: p.Asn1222Ser; replaces asparagine 1222 with serine.
Molecular consequence: missense variant.
Genome position (GRCh38, 1-based): chr5:141,517,005, T>C on the plus strand (A>G on the coding strand, the complement: DIAPH1 is on the minus strand). VCF-style: chr5-141517005-T-C. GRCh37 (hg19) VCF-style: chr5-140896572-T-C.
Other names: c.3665A>G (NM_005219.4); c.3638A>G, p.Asn1213Ser (NM_001079812.3); c.3718A>G, p.Thr1240Ala (NM_001314007.2); short protein forms N1213S, N1222S, T1240A.
Identifiers: ClinVar variation 1045751 (VCV001045751.10), dbSNP rs1423948383, ClinGen allele CA361572930.
Genomic context (GRCh38, chr5:141,517,005, plus strand): 5'-GCATCATCCTTGGTCAGCTCCGAAGCTAGCAGAGATGTGACTGCACACCCGGCCTTCCTG[T>C]TGGCTGCAAGAGAAGACGAGAGATTCTGTCTATGGAAGGCCTCATTTCTAATTTCTTTCA-3'
Protein context (NP_005210.3, residues 1212-1232): FRRKRGPRQA[Asn1222Ser]RKAGCAVTSL